The following is an entry in ClinVar:

NM_004369.4(COL6A3):c.7686G>A (p.Val2562=)

Gene: COL6A3 (collagen type VI alpha 3 chain; minus strand). Cytogenetic location: 2q37.3.
Variant type: single nucleotide variant.
Coding change: c.7686G>A on transcript NM_004369.4 (MANE Select); coding-DNA position 7686, G replaced by A.
Protein change: p.Val2562=; no amino-acid change (valine 2562 retained).
Molecular consequence: synonymous variant.
Genome position (GRCh38, 1-based): chr2:237,342,144, C>T on the plus strand (G>A on the coding strand, the complement: COL6A3 is on the minus strand). VCF-style: chr2-237342144-C-T. GRCh37 (hg19) VCF-style: chr2-238250787-C-T.
Other names: c.5865G>A, p.Val1955= (NM_057166.5); c.7068G>A, p.Val2356= (NM_057167.4).
Identifiers: ClinVar variation 3660098 (VCV003660098.2).

ClinVar aggregate classification (germline): Uncertain significance (1 of 4 stars; one submission).

Conditions:
Bethlem myopathy 1A. Also called: Bethlem myopathy 1; MYOPATHY, BENIGN CONGENITAL, WITH CONTRACTURES; Bethlem Muscular Dystrophy. Identifiers: Orphanet 610, MedGen CN029274, MONDO:0024530, OMIM 158810.

gnomAD v4.1: 1 of 1,614,174 alleles (0.000062%); highest among the groups gnomAD compares: Non-Finnish European, 0.000085%; no homozygotes.

Submission:

Labcorp Genetics (formerly Invitae), Labcorp
Classification: Uncertain significance for Bethlem myopathy 1A. Last evaluated: 2024-07-22. Review status: criteria provided, single submitter. Criteria: Invitae Variant Classification Sherloc (09022015). Collection method: clinical testing. Allele origin: germline.
Comment: This sequence change affects codon 2562 of the COL6A3 mRNA. It is a 'silent' change, meaning that it does not change the encoded amino acid sequence of the COL6A3 protein. This variant is not present in population databases (gnomAD no frequency). This variant has not been reported in the literature in individuals affected with COL6A3-related conditions. Algorithms developed to predict the effect of sequence changes on RNA splicing suggest that this variant may disrupt the consensus splice site. In summary, the available evidence is currently insufficient to determine the role of this variant in disease. Therefore, it has been classified as a Variant of Uncertain Significance.